The following is an entry in ClinVar:

NM_000492.4(CFTR):c.4202A>G (p.Glu1401Gly)

Gene: CFTR (CF transmembrane conductance regulator; plus strand). Cytogenetic location: 7q31.2.
Variant type: single nucleotide variant.
Coding change: c.4202A>G on transcript NM_000492.4 (MANE Select); coding-DNA position 4202, A replaced by G.
Protein change: p.Glu1401Gly; replaces glutamic acid 1401 with glycine.
Molecular consequence: missense variant.
Genome position (GRCh38, 1-based): chr7:117,665,524, A>G. VCF-style: chr7-117665524-A-G. GRCh37 (hg19) VCF-style: chr7-117305578-A-G.
Other names: short protein forms E1401G.
Identifiers: ClinVar variation 53921 (VCV000053921.13), dbSNP rs397508697, ClinGen allele CA327453.
Genomic context (GRCh38, chr7:117,665,524, plus strand): 5'-ACCAAATAATTAGAAGAACTCTAAAACAAGCATTTGCTGATTGCACAGTAATTCTCTGTG[A>G]ACACAGGATAGAAGCAATGCTGGAATGCCAACAATTTTTGGTGAGTCTTTATAACTTTAC-3'
Protein context (NP_000483.3, residues 1391-1411): AFADCTVILC[Glu1401Gly]HRIEAMLECQ

ClinVar aggregate classification (germline): Uncertain significance. Review status: criteria provided, multiple submitters, no conflicts (2 of 4 stars). 7 submissions from 7 submitters: Uncertain significance (4). 3 of the submissions do not count toward it. Last evaluated 2025-10-14.

Conditions:
CFTR-related disorder (CFTR-RD). Also called: CFTR-related disorders; CFTR-related condition. Identifiers: MedGen C5924204, MONDO:7770004.
Cystic fibrosis (CF). Also called: MUCOVISCIDOSIS. Identifiers: Orphanet 586, MedGen C0010674, MONDO:0009061, OMIM 219700. Disease mechanism: loss of function.

Allele frequency attached by ClinVar (database versions not stated): gnomAD exomes 0.00001; TOPMed below 0.00001.
gnomAD v4.1: 10 of 1,613,384 alleles (0.00062%); highest among the groups gnomAD compares: Middle Eastern, 0.017%; no homozygotes.

Submissions (7):

Women's Health and Genetics/Laboratory Corporation of America, LabCorp
Classification: Uncertain significance. Last evaluated: 2025-10-14. Review status: criteria provided, single submitter. Criteria: LabCorp Variant Classification Summary - May 2015. Collection method: clinical testing. Allele origin: germline.
Comment: Variant summary: CFTR c.4202A>G (p.Glu1401Gly) results in a non-conservative amino acid change in the encoded protein sequence. Algorithms developed to predict the effect of missense changes on protein structure and function all suggest that this variant is likely to be disruptive. The variant was absent in 250736 control chromosomes. The available data on variant occurrences in the general population are insufficient to allow any conclusion about variant significance. c.4202A>G has been observed in at least 1 individual(s) affected with congenital absence of the van deferens, without strong evidence for causality (example, Yang_2015). These report(s) do not provide unequivocal conclusions about association of the variant with CFTR-related conditions. To our knowledge, no experimental evidence demonstrating an impact on protein function has been reported. The following publications have been ascertained in the context of this evaluation (PMID: 22573477, 32734384, 25735457, 35913788, 26277102, 20059485). ClinVar contains an entry for this variant (Variation ID: 53921). Based on the evidence outlined above, the variant was classified as uncertain significance.

Ambry Genetics
Classification: Uncertain significance for Cystic fibrosis. Last evaluated: 2025-08-22. Review status: criteria provided, single submitter. Criteria: Ambry Variant Classification Scheme 2023. Collection method: clinical testing. Allele origin: germline.
Comment: The p.E1401G variant (also known as c.4202A>G), located in coding exon 26 of the CFTR gene, results from an A to G substitution at nucleotide position 4202. The glutamic acid at codon 1401 is replaced by glycine, an amino acid with similar properties. This amino acid position is highly conserved in available vertebrate species. In addition, this alteration is predicted to be deleterious by in silico analysis. Since supporting evidence is limited at this time, the clinical significance of this alteration remains unclear.

Genome-Nilou Lab
Classification: Uncertain significance for Cystic fibrosis. Last evaluated: 2021-09-05. Review status: criteria provided, single submitter. Criteria: ACMG Guidelines, 2015. Collection method: clinical testing. Allele origin: germline. Affected: no.

Labcorp Genetics (formerly Invitae), Labcorp
Classification: Uncertain significance for Cystic fibrosis. Last evaluated: 2021-08-31. Review status: criteria provided, single submitter. Criteria: Invitae Variant Classification Sherloc (09022015). Collection method: clinical testing. Allele origin: germline.
Comment: This sequence change replaces glutamic acid with glycine at codon 1401 of the CFTR protein (p.Glu1401Gly). The glutamic acid residue is moderately conserved and there is a moderate physicochemical difference between glutamic acid and glycine. This variant is not present in population databases (ExAC no frequency). This missense change has been observed in individual(s) with congenital absence of vas deferens (CAVD) (PMID: 26277102). ClinVar contains an entry for this variant (Variation ID: 53921). Algorithms developed to predict the effect of missense changes on protein structure and function (SIFT, PolyPhen-2, Align-GVGD) all suggest that this variant is likely to be tolerated. In summary, the available evidence is currently insufficient to determine the role of this variant in disease. Therefore, it has been classified as a Variant of Uncertain Significance.

Natera, Inc.
Classification: Uncertain significance for CFTR-related disorders. Last evaluated: 2019-01-14. Review status: no assertion criteria provided. Collection method: clinical testing. Allele origin: germline. Not counted in ClinVar's aggregate classification.

Counsyl
Classification: Uncertain significance for Cystic fibrosis. Last evaluated: 2017-07-05. Review status: no assertion criteria provided. Collection method: clinical testing. Allele origin: unknown. Not counted in ClinVar's aggregate classification.

ClinVar Staff, National Center for Biotechnology Information (NCBI)
No classification provided. Condition: CFTR-related disorders. Review status: no classification provided. Collection method: literature only. Allele origin: germline. Affected: yes. Not counted in ClinVar's aggregate classification.

Literature cited by the submitters: PubMed 20059485 (cited by Women's Health and Genetics/Laboratory Corporation of America, LabCorp and ClinVar Staff, National Center for Biotechnology Information (NCBI)); PubMed 25735457 (cited by Women's Health and Genetics/Laboratory Corporation of America, LabCorp); PubMed 26277102 (cited by Women's Health and Genetics/Laboratory Corporation of America, LabCorp and Labcorp Genetics (formerly Invitae), Labcorp); PubMed 22573477 (cited by Women's Health and Genetics/Laboratory Corporation of America, LabCorp); PubMed 35913788 (cited by Women's Health and Genetics/Laboratory Corporation of America, LabCorp); PubMed 32734384 (cited by Women's Health and Genetics/Laboratory Corporation of America, LabCorp).